The following is an entry in ClinVar:

ClinVar aggregate classification (germline): Pathogenic (1 of 4 stars; one submission).

Conditions:
Primary ciliary dyskinesia. Also called: Ciliary dyskinesia. Identifiers: Orphanet 244, MedGen C0008780, MONDO:0016575, HP:0012265.

Submission:

Labcorp Genetics (formerly Invitae), Labcorp
Classification: Pathogenic for Primary ciliary dyskinesia. Last evaluated: 2023-12-12. Review status: criteria provided, single submitter. Criteria: Invitae Variant Classification Sherloc (09022015). Collection method: clinical testing. Allele origin: germline.
Comment: This sequence change creates a premature translational stop signal (p.Glu4249Lysfs*23) in the DNAH11 gene. It is expected to result in an absent or disrupted protein product. Loss-of-function variants in DNAH11 are known to be pathogenic (PMID: 18022865, 20513915, 22184204). This variant is not present in population databases (gnomAD no frequency). This variant has not been reported in the literature in individuals affected with DNAH11-related conditions. For these reasons, this variant has been classified as Pathogenic.

Literature cited by the submitters: PubMed 18022865; PubMed 20513915; PubMed 22184204.

NM_001277115.2(DNAH11):c.12745del (p.Glu4249fs)

Gene: DNAH11 (dynein axonemal heavy chain 11; plus strand). Cytogenetic location: 7p15.3.
Variant type: Deletion.
Coding change: c.12745del on transcript NM_001277115.2 (MANE Select); coding-DNA position 12745, one base deleted (G; older notation c.12745delG).
Protein change: p.Glu4249fs; shifts the reading frame from glutamic acid 4249.
Molecular consequence: frameshift variant.
Genome position (GRCh38, 1-based): chr7:21,892,662, G deleted. VCF-style (leftmost placement, unchanged base first): chr7-21892661-AG-A. GRCh37 (hg19) VCF-style: chr7-21932279-AG-A.
Other names: c.12766delG, p.Glu4256Lysfs (NM_003777.3); short protein forms E4249fs.
Identifiers: ClinVar variation 2702570 (VCV002702570.3), dbSNP rs2534123110, ClinGen allele CA2697557168.